The following is an entry in ClinVar:

NM_004055.5(CAPN5):c.731T>C (p.Leu244Pro)

Gene: CAPN5 (calpain 5; plus strand). Cytogenetic location: 11q13.5.
Variant type: single nucleotide variant.
Coding change: c.731T>C on transcript NM_004055.5 (MANE Select); coding-DNA position 731, T replaced by C.
Protein change: p.Leu244Pro; replaces leucine 244 with proline.
Molecular consequence: missense variant.
Genome position (GRCh38, 1-based): chr11:77,115,426, T>C. VCF-style: chr11-77115426-T-C. GRCh37 (hg19) VCF-style: chr11-76826472-T-C.
Other names: short protein forms L244P.
Identifiers: ClinVar variation 39807 (VCV000039807.8), dbSNP rs397514602, ClinGen allele CA130572.

ClinVar aggregate classification (germline): Pathogenic. Review status: criteria provided, single submitter (1 of 4 stars). 2 submissions from 2 submitters: Pathogenic (1). 1 of the submissions does not count toward it. Last evaluated 2025-02-10.

Conditions:
Proliferative vitreoretinopathy. Also called: Vitreoretinopathy, neovascular inflammatory. Identifiers: Orphanet 329211, MedGen C0242852, MONDO:0700115, OMIM 193235.

Submissions (2):

Labcorp Genetics (formerly Invitae), Labcorp
Classification: Pathogenic. Last evaluated: 2025-02-10. Review status: criteria provided, single submitter. Criteria: Invitae Variant Classification Sherloc (09022015). Collection method: clinical testing. Allele origin: germline.
Comment: This sequence change replaces leucine, which is neutral and non-polar, with proline, which is neutral and non-polar, at codon 244 of the CAPN5 protein (p.Leu244Pro). This variant is not present in population databases (gnomAD no frequency). This missense change has been observed in individual(s) with autosomal dominant neovascular inflammatory vitreoretinopathy (PMID: 23055945). It has also been observed to segregate with disease in related individuals. ClinVar contains an entry for this variant (Variation ID: 39807). Invitae Evidence Modeling of protein sequence and biophysical properties (such as structural, functional, and spatial information, amino acid conservation, physicochemical variation, residue mobility, and thermodynamic stability) indicates that this missense variant is not expected to disrupt CAPN5 protein function with a negative predictive value of 80%. Experimental studies have shown that this missense change affects CAPN5 function (PMID: 23055945). For these reasons, this variant has been classified as Pathogenic.

OMIM
Classification: Pathogenic for VITREORETINOPATHY, NEOVASCULAR INFLAMMATORY. Last evaluated: 2012-01-01. Review status: no assertion criteria provided. Collection method: literature only. Allele origin: germline. Not counted in ClinVar's aggregate classification.

Literature cited by the submitters: PubMed 23055945 (cited by Labcorp Genetics (formerly Invitae), Labcorp and OMIM).